The following is an entry in ClinVar:

NC_000016.9:g.(?_7102053)_(7760767_?)dup

Gene: RBFOX1 (RNA binding fox-1 homolog 1; plus strand). Cytogenetic location: 16p13.3.
Variant type: Duplication.
Identifiers: ClinVar variation 831383 (VCV000831383.1).

ClinVar aggregate classification (germline): Uncertain significance (1 of 4 stars; one submission).

Conditions:
Idiopathic generalized epilepsy. Also called: EIG; Generalised epilepsy. Identifiers: MedGen C0270850, MONDO:0005579, OMIM 600669.

Submission:

Labcorp Genetics (formerly Invitae), Labcorp
Classification: Uncertain significance for Idiopathic generalized epilepsy. Last evaluated: 2019-08-14. Review status: criteria provided, single submitter. Criteria: Invitae Variant Classification Sherloc (09022015). Collection method: clinical testing. Allele origin: germline.
Comment: This variant results in a copy number gain of the genomic region encompassing the full coding sequence of the RBFOX1 gene. The boundaries of this event are unknown as they extend beyond the assayed region for this gene and therefore may encompass additional genes. As the precise location of this event is unknown, it may be in tandem or it may be located elsewhere in the genome. This variant has not been reported in the literature in individuals with RBFOX1-related conditions. In summary, the available evidence is currently insufficient to determine the role of this variant in disease. Therefore, it has been classified as a Variant of Uncertain Significance.